The following is an entry in ClinVar:

NM_014423.4(AFF4):c.3070T>G (p.Tyr1024Asp)

Gene: AFF4 (ALF transcription elongation factor 4; minus strand). Cytogenetic location: 5q31.1.
Variant type: single nucleotide variant.
Coding change: c.3070T>G on transcript NM_014423.4 (MANE Select); coding-DNA position 3070, T replaced by G.
Protein change: p.Tyr1024Asp; replaces tyrosine 1024 with aspartic acid.
Molecular consequence: missense variant.
Genome position (GRCh38, 1-based): chr5:132,886,339, A>C on the plus strand (T>G on the coding strand, the complement: AFF4 is on the minus strand). VCF-style: chr5-132886339-A-C. GRCh37 (hg19) VCF-style: chr5-132222031-A-C.
Other names: short protein forms Y1024D.
Identifiers: ClinVar variation 4071674 (VCV004071674.1).

ClinVar aggregate classification (germline): Uncertain significance (1 of 4 stars; one submission).

Submission:

GeneDx
Classification: Uncertain significance. Last evaluated: 2025-01-21. Review status: criteria provided, single submitter. Criteria: GeneDx Variant Classification Process June 2021. Collection method: clinical testing. Allele origin: germline. Affected: yes.
Comment: Not observed at significant frequency in large population cohorts (gnomAD); In silico analysis supports that this missense variant has a deleterious effect on protein structure/function; Has not been previously published as pathogenic or benign to our knowledge